The following is an entry in ClinVar:

NM_000210.4(ITGA6):c.2788G>A (p.Val930Met)

Genes: ITGA6 (integrin subunit alpha 6; plus strand), PDK1-AS1 (PDK1 and ITGA6 antisense RNA 1; minus strand). Cytogenetic location: 2q31.1.
Variant type: single nucleotide variant.
Coding change: c.2788G>A on transcript NM_000210.4 (MANE Select); coding-DNA position 2788, G replaced by A.
Protein change: p.Val930Met; replaces valine 930 with methionine.
Molecular consequence: missense variant.
Genome position (GRCh38, 1-based): chr2:172,491,230, G>A. VCF-style: chr2-172491230-G-A. GRCh37 (hg19) VCF-style: chr2-173355958-G-A.
Other names: c.2788G>A, p.Val930Met (NM_001079818.3); c.2431G>A, p.Val811Met (NM_001316306.2); c.2743G>A, p.Val915Met (NM_001365529.2, NM_001365530.2); short protein forms V930M, V811M, V915M.
Identifiers: ClinVar variation 332379 (VCV000332379.14), dbSNP rs10209072, ClinGen allele CA1968496.

ClinVar aggregate classification (germline): Benign. Review status: criteria provided, multiple submitters, no conflicts (2 of 4 stars). 4 submissions from 4 submitters: Benign (4). Last evaluated 2026-02-01.

Conditions:
Junctional epidermolysis bullosa with pyloric atresia. Also called: ITGB4-Related Epidermolysis Bullosa with Pyloric Atresia; ITGA6-Related Epidermolysis Bullosa with Pyloric Atresia; EPIDERMOLYSIS BULLOSA, JUNCTIONAL 5B, WITH PYLORIC ATRESIA; APLASIA CUTIS CONGENITA WITH GASTROINTESTINAL ATRESIA; CARMI SYNDROME; EB-PA-ACC. Identifiers: Orphanet 79403, MedGen C5676875, MONDO:0009183, OMIM 226730.

Allele frequency attached by ClinVar (database versions not stated): gnomAD exomes 0.00301 and 0.00849; ExAC 0.01035; gnomAD 0.03058 and 0.03264; TOPMed 0.03512; 1000 Genomes Project 0.03754; ESP Exome Variant Server 0.03767; 1000 Genomes Project 30x 0.03998.
gnomAD v4.1: 9,239 of 1,605,338 alleles (0.58%); highest among the groups gnomAD compares: African/African-American, 11%; 440 homozygotes.

Submissions (4):

Labcorp Genetics (formerly Invitae), Labcorp
Classification: Benign. Last evaluated: 2026-02-01. Review status: criteria provided, single submitter. Criteria: Invitae Variant Classification Sherloc (09022015). Collection method: clinical testing. Allele origin: germline.

GeneDx
Classification: Benign. Last evaluated: 2020-02-27. Review status: criteria provided, single submitter. Criteria: GeneDx Variant Classification Process June 2021. Collection method: clinical testing. Allele origin: germline. Affected: yes.

Illumina Laboratory Services, Illumina
Classification: Benign for Junctional epidermolysis bullosa with pyloric atresia. Last evaluated: 2018-01-13. Review status: criteria provided, single submitter. Criteria: ICSL Variant Classification Criteria 13 December 2019. Collection method: clinical testing. Allele origin: germline.
Comment: This variant was observed in the ICSL laboratory as part of a predisposition screen in an ostensibly healthy population. It had not been previously curated by ICSL or reported in the Human Gene Mutation Database (HGMD: prior to June 1st, 2018), and was therefore a candidate for classification through an automated scoring system. Utilizing variant allele frequency, disease prevalence and penetrance estimates, and inheritance mode, an automated score was calculated to assess if this variant is too frequent to cause the disease. Based on the score and internal cut-off values, a variant classified as benign is not then subjected to further curation. The score for this variant resulted in a classification of benign for this disease.

Breakthrough Genomics
Classification: Benign. Review status: criteria provided, single submitter. Criteria: ACMG Guidelines, 2015. Collection method: not provided. Allele origin: germline. Inheritance: Autosomal recessive inheritance. Affected: yes.